The following is an entry in ClinVar:

NM_016356.5(DCDC2):c.1085del (p.Gln362fs)

Gene: DCDC2 (doublecortin domain containing 2; minus strand). Cytogenetic location: 6p22.3.
Variant type: Deletion.
Coding change: c.1085del on transcript NM_016356.5 (MANE Select); coding-DNA position 1085, one base deleted (A; older notation c.1085delA).
Protein change: p.Gln362fs; shifts the reading frame from glutamine 362.
Molecular consequence: frameshift variant.
Genome position (GRCh38, 1-based): chr6:24,178,571, T deleted on the plus strand (A on the coding strand, the reverse complement: DCDC2 is on the minus strand). VCF-style (leftmost placement, unchanged base first): chr6-24178570-CT-C. GRCh37 (hg19) VCF-style: chr6-24178798-CT-C.
Other names: c.1085del, p.Gln362fs (NM_001195610.2); short protein forms Q362fs.
Identifiers: ClinVar variation 4991222 (VCV004991222.1).

ClinVar aggregate classification (germline): Likely pathogenic (1 of 4 stars; one submission).

Conditions:
DCDC2-related disorder. Also called: DCDC2-related condition.

Submission:

PreventionGenetics, part of Exact Sciences
Classification: Likely pathogenic for DCDC2-related condition. Last evaluated: 2026-08-19. Review status: criteria provided, single submitter. Criteria: ACMG Guidelines, 2015. Collection method: clinical testing. Allele origin: germline.
Comment: The DCDC2 c.1085delA variant is predicted to result in a frameshift and premature protein termination (p.Gln362Argfs*8). To our knowledge, this variant has not been reported in the literature or in a large population database (gnomAD), indicating this variant is rare. Frameshift variants in DCDC2 are expected to be pathogenic. This variant is interpreted as likely pathogenic.